The following is an entry in ClinVar:

ClinVar aggregate classification (germline): Conflicting classifications of pathogenicity. Review status: criteria provided, conflicting classifications (1 of 4 stars). 4 submissions from 4 submitters: Uncertain significance (2); Likely benign (2). Last evaluated 2025-11-12.

Conditions:
Developmental and epileptic encephalopathy, 24 (DEE24). Also called: Epileptic encephalopathy, early infantile, 24. Identifiers: Orphanet 442835, MedGen C4014531, MONDO:0014377, OMIM 615871.
Early-infantile DEE. Also called: Ohtahara syndrome; Early infantile epileptic encephalopathy; Early infantile epileptic encephalopathy with suppression bursts. Identifiers: Orphanet 1934, MedGen C0393706, MONDO:0800491.
Inborn genetic diseases. Identifiers: MedGen C0950123, MeSH D030342.

gnomAD v4.1: 8 of 1,609,688 alleles (0.0005%); highest among the groups gnomAD compares: Non-Finnish European, 0.00068%; no homozygotes.

Submissions (4):

Labcorp Genetics (formerly Invitae), Labcorp
Classification: Likely benign for Early-infantile DEE. Last evaluated: 2025-11-12. Review status: criteria provided, single submitter. Criteria: Invitae Variant Classification Sherloc (09022015). Collection method: clinical testing. Allele origin: germline.

Laboratory of Genetics, Children's Clinical University Hospital Latvia
Classification: Likely benign. Last evaluated: 2025-02-16. Review status: criteria provided, single submitter. Criteria: ACMG Guidelines, 2015. Collection method: clinical testing. Allele origin: germline. Affected: yes.

Ambry Genetics
Classification: Uncertain significance for Inborn genetic diseases. Last evaluated: 2024-11-27. Review status: criteria provided, single submitter. Criteria: Ambry Variant Classification Scheme 2023. Collection method: clinical testing. Allele origin: germline.

Baylor Genetics
Classification: Uncertain significance for Developmental and epileptic encephalopathy, 24. Last evaluated: 2018-01-25. Review status: criteria provided, single submitter. Criteria: ACMG Guidelines, 2015. Collection method: clinical testing. Allele origin: maternal. Affected: yes.
Comment: This variant was determined to be of uncertain significance according to ACMG Guidelines, 2015 [PMID:25741868].

Literature cited by the submitters: PubMed 39363051 (cited by Ambry Genetics).

NM_021072.4(HCN1):c.282G>A (p.Met94Ile)

Gene: HCN1 (hyperpolarization activated cyclic nucleotide gated potassium channel 1; minus strand). Cytogenetic location: 5p12.
Variant type: single nucleotide variant.
Coding change: c.282G>A on transcript NM_021072.4 (MANE Select); coding-DNA position 282, G replaced by A.
Protein change: p.Met94Ile; replaces methionine 94 with isoleucine.
Molecular consequence: missense variant.
Genome position (GRCh38, 1-based): chr5:45,695,812, C>T on the plus strand (G>A on the coding strand, the complement: HCN1 is on the minus strand). VCF-style: chr5-45695812-C-T. GRCh37 (hg19) VCF-style: chr5-45695914-C-T.
Other names: short protein forms M94I.
Identifiers: ClinVar variation 1033971 (VCV001033971.12), dbSNP rs748665278, ClinGen allele CA359706368.